The following is an entry in ClinVar:

NM_015650.4(TRAF3IP1):c.2050A>G (p.Ser684Gly)

Gene: TRAF3IP1 (TRAF3 interacting protein 1; plus strand). Cytogenetic location: 2q37.3.
Variant type: single nucleotide variant.
Coding change: c.2050A>G on transcript NM_015650.4 (MANE Select); coding-DNA position 2050, A replaced by G.
Protein change: p.Ser684Gly; replaces serine 684 with glycine.
Molecular consequence: missense variant.
Genome position (GRCh38, 1-based): chr2:238,398,893, A>G. VCF-style: chr2-238398893-A-G. GRCh37 (hg19) VCF-style: chr2-239307534-A-G.
Other names: c.1852A>G, p.Ser618Gly (NM_001139490.1); short protein forms S618G, S684G.
Identifiers: ClinVar variation 2793052 (VCV002793052.3), dbSNP rs752438613, ClinGen allele CA2198640.

ClinVar aggregate classification (germline): Uncertain significance (1 of 4 stars; one submission).

Allele frequency attached by ClinVar (database versions not stated): gnomAD exomes below 0.00001; ExAC 0.00001.
gnomAD v4.1: 1 of 1,609,186 alleles (0.000062%); highest among the groups gnomAD compares: Non-Finnish European, 0.000085%; no homozygotes.

Submission:

Labcorp Genetics (formerly Invitae), Labcorp
Classification: Uncertain significance. Last evaluated: 2024-01-02. Review status: criteria provided, single submitter. Criteria: Invitae Variant Classification Sherloc (09022015). Collection method: clinical testing. Allele origin: germline.
Comment: This sequence change replaces serine, which is neutral and polar, with glycine, which is neutral and non-polar, at codon 684 of the TRAF3IP1 protein (p.Ser684Gly). This variant is present in population databases (rs752438613, gnomAD 0.0009%). This variant has not been reported in the literature in individuals affected with TRAF3IP1-related conditions. Advanced modeling of protein sequence and biophysical properties (such as structural, functional, and spatial information, amino acid conservation, physicochemical variation, residue mobility, and thermodynamic stability) performed at Invitae indicates that this missense variant is not expected to disrupt TRAF3IP1 protein function with a negative predictive value of 80%. Algorithms developed to predict the effect of sequence changes on RNA splicing suggest that this variant may create or strengthen a splice site. In summary, the available evidence is currently insufficient to determine the role of this variant in disease. Therefore, it has been classified as a Variant of Uncertain Significance.